The following is an entry in ClinVar:

NM_152564.5(VPS13B):c.3496del (p.Leu1166fs)

Gene: VPS13B (vacuolar protein sorting 13 homolog B; plus strand). Cytogenetic location: 8q22.2.
Variant type: Deletion.
Coding change: c.3496del on transcript NM_152564.5 (MANE Select); coding-DNA position 3496, one base deleted (C; older notation c.3496delC).
Protein change: p.Leu1166fs; shifts the reading frame from leucine 1166.
Molecular consequence: frameshift variant.
Genome position (GRCh38, 1-based): chr8:99,467,464, C deleted; the last of 3 consecutive C bases (chr8:99,467,462-99,467,464); deleting any one gives the same sequence. VCF-style (leftmost placement, unchanged base first): chr8-99467461-AC-A. GRCh37 (hg19) VCF-style: chr8-100479689-AC-A.
Other names: c.3496delC, p.Leu1166Phefs (NM_017890.4); c.3496del, p.Leu1166fs (NM_017890.5); c.3496del (NM_017890.4); short protein forms L1166fs.
Identifiers: ClinVar variation 2111034 (VCV002111034.6), dbSNP rs2490281130, ClinGen allele CA2580079264.

ClinVar aggregate classification (germline): Pathogenic. Review status: criteria provided, multiple submitters, no conflicts (2 of 4 stars). 2 submissions from 2 submitters: Pathogenic (2). Last evaluated 2022-09-28.

Conditions:
Cohen syndrome (COH1). Also called: Cutis verticis gyrata, retinitis pigmentosa, and sensorineural deafness; PEPPER SYNDROME. Identifiers: Orphanet 193, MedGen C0265223, MONDO:0008999, OMIM 216550.

Submissions (2):

Labcorp Genetics (formerly Invitae), Labcorp
Classification: Pathogenic for Cohen syndrome. Last evaluated: 2022-09-28. Review status: criteria provided, single submitter. Criteria: Invitae Variant Classification Sherloc (09022015). Collection method: clinical testing. Allele origin: germline.
Comment: For these reasons, this variant has been classified as Pathogenic. This variant has not been reported in the literature in individuals affected with VPS13B-related conditions. This variant is not present in population databases (gnomAD no frequency). This sequence change creates a premature translational stop signal (p.Leu1166Phefs*6) in the VPS13B gene. It is expected to result in an absent or disrupted protein product. Loss-of-function variants in VPS13B are known to be pathogenic (PMID: 15141358, 16648375, 20461111).

Juno Genomics, Hangzhou Juno Genomics, Inc
Classification: Pathogenic for Cohen syndrome. Review status: criteria provided, single submitter. Criteria: ACMG Guidelines, 2015. Collection method: clinical testing. Allele origin: germline. Affected: yes.
Comment: Null variant in a gene where loss of function (LOF) is a known mechanism of disease.;Absent from controls (or at extremely low frequency if recessive) in Genome Aggregation Database, Exome Sequencing Project, 1000 Genomes Project, or Exome Aggregation Consortium.;For recessive disorders, detected in trans with a pathogenic variant.

Literature cited by the submitters: PubMed 15141358 (cited by Labcorp Genetics (formerly Invitae), Labcorp); PubMed 16648375 (cited by Labcorp Genetics (formerly Invitae), Labcorp); PubMed 20461111 (cited by Labcorp Genetics (formerly Invitae), Labcorp).